The following is an entry in ClinVar:

NM_000287.4(PEX6):c.236C>T (p.Ala79Val)

Gene: PEX6 (peroxisomal biogenesis factor 6; minus strand). Cytogenetic location: 6p21.1.
Variant type: single nucleotide variant.
Coding change: c.236C>T on transcript NM_000287.4 (MANE Select); coding-DNA position 236, C replaced by T.
Protein change: p.Ala79Val; replaces alanine 79 with valine.
Molecular consequence: missense variant. On other transcripts: non-coding transcript variant (1).
Genome position (GRCh38, 1-based): chr6:42,978,915, G>A on the plus strand (C>T on the coding strand, the complement: PEX6 is on the minus strand). VCF-style: chr6-42978915-G-A. GRCh37 (hg19) VCF-style: chr6-42946653-G-A.
Other names: c.236C>T (NM_000287.3); c.236C>T, p.Ala79Val (NM_001316313.2); short protein forms A79V.
Identifiers: ClinVar variation 1944539 (VCV001944539.5), dbSNP rs2481282000, ClinGen allele CA364167803.

ClinVar aggregate classification (germline): Uncertain significance. Review status: criteria provided, multiple submitters, no conflicts (2 of 4 stars). 2 submissions from 2 submitters: Uncertain significance (2). Last evaluated 2025-07-16.

Conditions:
PEX6-related disorder. Also called: PEX6-related condition; PEX6-related disorders.
Peroxisome biogenesis disorder. Identifiers: Orphanet 79189, MedGen C1832200, MONDO:0019234. Disease mechanism: loss of function.

Allele frequency attached by ClinVar (database versions not stated): gnomAD exomes below 0.00001.
gnomAD v4.1: 2 of 1,488,210 alleles (0.00013%); highest among the groups gnomAD compares: Admixed American, 0.0023%; no homozygotes.

Submissions (2):

PreventionGenetics, part of Exact Sciences
Classification: Uncertain significance for PEX6-related condition. Last evaluated: 2025-07-16. Review status: criteria provided, single submitter. Criteria: ACMG Guidelines, 2015. Collection method: clinical testing. Allele origin: germline.
Comment: The PEX6 c.236C>T variant is predicted to result in the amino acid substitution p.Ala79Val. To our knowledge, this variant has not been reported in the literature or in a large population database (gnomAD), indicating this variant is rare. At this time, the clinical significance of this variant is uncertain due to the absence of conclusive functional and genetic evidence.

Labcorp Genetics (formerly Invitae), Labcorp
Classification: Uncertain significance for Peroxisome biogenesis disorder. Last evaluated: 2024-10-28. Review status: criteria provided, single submitter. Criteria: Invitae Variant Classification Sherloc (09022015). Collection method: clinical testing. Allele origin: germline.
Comment: This sequence change replaces alanine, which is neutral and non-polar, with valine, which is neutral and non-polar, at codon 79 of the PEX6 protein (p.Ala79Val). This variant is not present in population databases (gnomAD no frequency). This variant has not been reported in the literature in individuals affected with PEX6-related conditions. ClinVar contains an entry for this variant (Variation ID: 1944539). An algorithm developed to predict the effect of missense changes on protein structure and function (PolyPhen-2) suggests that this variant is likely to be tolerated. In summary, the available evidence is currently insufficient to determine the role of this variant in disease. Therefore, it has been classified as a Variant of Uncertain Significance.